The following is an entry in ClinVar:

NM_003737.4(DCHS1):c.8142C>T (p.Ser2714=)

Gene: DCHS1 (dachsous cadherin-related 1; minus strand). Cytogenetic location: 11p15.4.
Variant type: single nucleotide variant.
Coding change: c.8142C>T on transcript NM_003737.4 (MANE Select); coding-DNA position 8142, C replaced by T.
Protein change: p.Ser2714=; no amino-acid change (serine 2714 retained).
Molecular consequence: synonymous variant.
Genome position (GRCh38, 1-based): chr11:6,623,534, G>A on the plus strand (C>T on the coding strand, the complement: DCHS1 is on the minus strand). VCF-style: chr11-6623534-G-A. GRCh37 (hg19) VCF-style: chr11-6644765-G-A.
Identifiers: ClinVar variation 3057919 (VCV003057919.3), dbSNP rs1183485296, ClinGen allele CA472924031.

ClinVar aggregate classification (germline): Likely benign. Review status: criteria provided, single submitter (1 of 4 stars). 2 submissions from 2 submitters: Likely benign (1). 1 of the submissions does not count toward it. Last evaluated 2025-10-24.

Conditions:
DCHS1-related disorder. Also called: DCHS1-related condition.

Allele frequency attached by ClinVar (database versions not stated): TOPMed 0.00002.
gnomAD v4.1: 3 of 1,610,222 alleles (0.00019%); highest among the groups gnomAD compares: Non-Finnish European, 0.00017%; no homozygotes.

Submissions (2):

Labcorp Genetics (formerly Invitae), Labcorp
Classification: Likely benign. Last evaluated: 2025-10-24. Review status: criteria provided, single submitter. Criteria: Invitae Variant Classification Sherloc (09022015). Collection method: clinical testing. Allele origin: germline.

PreventionGenetics, part of Exact Sciences
Classification: Likely benign for DCHS1-related condition. Last evaluated: 2019-03-12. Review status: no assertion criteria provided. Collection method: clinical testing. Allele origin: germline. Not counted in ClinVar's aggregate classification.
Comment: This variant is classified as likely benign based on ACMG/AMP sequence variant interpretation guidelines (Richards et al. 2015 PMID: 25741868, with internal and published modifications).